The following is an entry in ClinVar:

NM_014264.5(PLK4):c.2086G>T (p.Val696Leu)

Gene: PLK4 (polo like kinase 4; plus strand). Cytogenetic location: 4q28.1.
Variant type: single nucleotide variant.
Coding change: c.2086G>T on transcript NM_014264.5 (MANE Select); coding-DNA position 2086, G replaced by T.
Protein change: p.Val696Leu; replaces valine 696 with leucine.
Molecular consequence: missense variant.
Genome position (GRCh38, 1-based): chr4:127,892,412, G>T. VCF-style: chr4-127892412-G-T. GRCh37 (hg19) VCF-style: chr4-128813567-G-T.
Other names: c.1990G>T, p.Val664Leu (NM_001190799.2); c.1963G>T, p.Val655Leu (NM_001190801.2); short protein forms V655L, V664L, V696L.
Identifiers: ClinVar variation 1026922 (VCV001026922.2), dbSNP rs377056419, ClinGen allele CA3076948.
Genomic context (GRCh38, chr4:127,892,412, plus strand): 5'-TTTTTTTCCTTAGAAAAATACTGGCGAAAATATCAATATGCTTCCAGGTTTGTACAGCTT[G>T]TAAGATCTAAATCTCCCAAAATCACTTATTTTACAAGATATGCTAAATGCATTTTGATGG-3'
Protein context (NP_055079.3, residues 686-706): YQYASRFVQL[Val696Leu]RSKSPKITYF

ClinVar aggregate classification (germline): Uncertain significance (1 of 4 stars; one submission).

Allele frequency attached by ClinVar (database versions not stated): ESP Exome Variant Server 0.00008.
gnomAD v4.1: 2 of 1,584,744 alleles (0.00013%); highest among the groups gnomAD compares: East Asian, 0.0046%; no homozygotes.

Submission:

Labcorp Genetics (formerly Invitae), Labcorp
Classification: Uncertain significance. Last evaluated: 2021-08-27. Review status: criteria provided, single submitter. Criteria: Invitae Variant Classification Sherloc (09022015). Collection method: clinical testing. Allele origin: germline.
Comment: This sequence change replaces valine with leucine at codon 696 of the PLK4 protein (p.Val696Leu). The valine residue is highly conserved and there is a small physicochemical difference between valine and leucine. This variant is present in population databases (rs377056419, ExAC 0.01%). This variant has not been reported in the literature in individuals affected with PLK4-related conditions. Algorithms developed to predict the effect of missense changes on protein structure and function are either unavailable or do not agree on the potential impact of this missense change (SIFT: "Deleterious"; PolyPhen-2: "Probably Damaging"; Align-GVGD: "Class C0"). In summary, the available evidence is currently insufficient to determine the role of this variant in disease. Therefore, it has been classified as a Variant of Uncertain Significance.